The following is an entry in ClinVar:

ClinVar aggregate classification (germline): Conflicting classifications of pathogenicity. Review status: criteria provided, conflicting classifications (1 of 4 stars). 4 submissions from 4 submitters: Pathogenic (1); Likely pathogenic (1); Uncertain significance (1). 1 of the submissions does not count toward it. Last evaluated 2024-06-07.

Conditions:
Meckel-Gruber syndrome. Also called: Dysencephalia splachnocystica; DYSENCEPHALIA SPLANCHNOCYSTICA; GRUBER SYNDROME. Identifiers: Orphanet 564, MedGen C0265215, MONDO:0018921.
Joubert syndrome. Also called: Familial aplasia of the vermis; JOUBERT-BOLTSHAUSER SYNDROME. Identifiers: Orphanet 475, MedGen C5979921, MONDO:0018772.
Meckel syndrome, type 6. Identifiers: Orphanet 564, MedGen C2676790, MONDO:0012848, OMIM 612284.
Joubert syndrome 9 (JBTS9). Identifiers: Orphanet 2318, MedGen C2676788, MONDO:0012849, OMIM 612285.
Retinitis pigmentosa 93. Identifiers: MedGen C5676970, MONDO:0030797, OMIM 619845.
COACH syndrome 2. Identifiers: MedGen C5436837, MONDO:0030859, OMIM 619111.

Allele frequency attached by ClinVar (database versions not stated): TOPMed 0.00002.
gnomAD v4.1: 2 of 1,612,496 alleles (0.00012%); highest among the groups gnomAD compares: African/African-American, 0.0027%; no homozygotes.

Submissions (4):

Fulgent Genetics
Classification: Likely pathogenic for Meckel syndrome, type 6; Joubert syndrome 9; COACH syndrome 2; Retinitis pigmentosa 93. Last evaluated: 2024-06-07. Review status: criteria provided, single submitter. Criteria: ACMG Guidelines, 2015. Collection method: clinical testing. Allele origin: germline.

Labcorp Genetics (formerly Invitae), Labcorp
Classification: Pathogenic for Joubert syndrome; Meckel-Gruber syndrome. Last evaluated: 2024-04-24. Review status: criteria provided, single submitter. Criteria: Invitae Variant Classification Sherloc (09022015). Collection method: clinical testing. Allele origin: germline.
Comment: This sequence change replaces arginine, which is basic and polar, with proline, which is neutral and non-polar, at codon 925 of the CC2D2A protein (p.Arg925Pro). This variant is present in population databases (rs200707391, gnomAD 0.007%). This missense change has been observed in individual(s) with rod cone dystrophy (PMID: 30267408). In at least one individual the data is consistent with being in trans (on the opposite chromosome) from a pathogenic variant. It has also been observed to segregate with disease in related individuals. ClinVar contains an entry for this variant (Variation ID: 937996). Advanced modeling of protein sequence and biophysical properties (such as structural, functional, and spatial information, amino acid conservation, physicochemical variation, residue mobility, and thermodynamic stability) has been performed at Invitae for this missense variant, however the output from this modeling did not meet the statistical confidence thresholds required to predict the impact of this variant on CC2D2A protein function. For these reasons, this variant has been classified as Pathogenic.

Blueprint Genetics
Classification: Uncertain significance. Last evaluated: 2021-11-26. Review status: criteria provided, single submitter. Criteria: ACMG Guidelines, 2015. Collection method: clinical testing. Allele origin: germline.

OMIM
Classification: Pathogenic for RETINITIS PIGMENTOSA 93. Last evaluated: 2022-04-19. Review status: no assertion criteria provided. Collection method: literature only. Allele origin: germline. Not counted in ClinVar's aggregate classification.

Literature cited by the submitters: PubMed 30267408 (cited by Labcorp Genetics (formerly Invitae), Labcorp and OMIM).

NM_001378615.1(CC2D2A):c.2774G>C (p.Arg925Pro)

Genes: FBXL5 (F-box and leucine rich repeat protein 5; minus strand), CC2D2A (coiled-coil and C2 domain containing 2A; plus strand). Cytogenetic location: 4p15.32.
Variant type: single nucleotide variant.
Coding change: c.2774G>C on transcript NM_001378615.1 (MANE Select); coding-DNA position 2774, G replaced by C.
Protein change: p.Arg925Pro; replaces arginine 925 with proline.
Molecular consequence: missense variant.
Genome position (GRCh38, 1-based): chr4:15,557,452, G>C. VCF-style: chr4-15557452-G-C. GRCh37 (hg19) VCF-style: chr4-15559075-G-C.
Other names: CC2D2A, ARG925PRO (rs200707391); c.2774G>C, p.Arg925Pro (NM_001080522.2); c.2627G>C, p.Arg876Pro (NM_001378617.1); short protein forms R876P, R925P.
Identifiers: ClinVar variation 937996 (VCV000937996.12), dbSNP rs200707391, ClinGen allele CA2864003.
Genomic context (GRCh38, chr4:15,557,452, plus strand): 5'-TAAATAGATCCAAACGATTTAGGCTTCTTCATCTTAGAAGCCAAGAGGTGCCAGAATTCC[G>C]AAATTATAAGCAAGTTCCAGTCTATGACCGAGAAATTATGGAAAAGGTATTCCAGGTAAG-3'
Protein context (NP_001365544.1, residues 915-935): HLRSQEVPEF[Arg925Pro]NYKQVPVYDR